The following is an entry in ClinVar:

ClinVar aggregate classification (germline): Uncertain significance (1 of 4 stars; one submission).

Submission:

Labcorp Genetics (formerly Invitae), Labcorp
Classification: Uncertain significance. Last evaluated: 2022-05-14. Review status: criteria provided, single submitter. Criteria: Invitae Variant Classification Sherloc (09022015). Collection method: clinical testing. Allele origin: germline.
Comment: This variant has not been reported in the literature in individuals affected with CSF1R-related conditions. Advanced modeling of protein sequence and biophysical properties (such as structural, functional, and spatial information, amino acid conservation, physicochemical variation, residue mobility, and thermodynamic stability) performed at Invitae indicates that this missense variant is not expected to disrupt CSF1R protein function. In summary, the available evidence is currently insufficient to determine the role of this variant in disease. Therefore, it has been classified as a Variant of Uncertain Significance. This variant is not present in population databases (gnomAD no frequency). This sequence change replaces isoleucine, which is neutral and non-polar, with valine, which is neutral and non-polar, at codon 97 of the CSF1R protein (p.Ile97Val).

NM_001288705.3(CSF1R):c.289A>G (p.Ile97Val)

Gene: CSF1R (colony stimulating factor 1 receptor; minus strand). Cytogenetic location: 5q32.
Variant type: single nucleotide variant.
Coding change: c.289A>G on transcript NM_001288705.3 (MANE Select); coding-DNA position 289, A replaced by G.
Protein change: p.Ile97Val; replaces isoleucine 97 with valine.
Molecular consequence: missense variant. On other transcripts: 5 prime UTR variant (1), non-coding transcript variant (2).
Genome position (GRCh38, 1-based): chr5:150,080,785, T>C on the plus strand (A>G on the coding strand, the complement: CSF1R is on the minus strand). VCF-style: chr5-150080785-T-C. GRCh37 (hg19) VCF-style: chr5-149460348-T-C.
Other names: c.289A>G, p.Ile97Val (NM_001349736.2, NM_001375320.1, NM_005211.4); c.-156A>G (NM_001375321.1); short protein forms I97V.
Identifiers: ClinVar variation 2118440 (VCV002118440.4), dbSNP rs2481048790, ClinGen allele CA361735666.
Genomic context (GRCh38, chr5:150,080,785, plus strand): 5'-CTGCCGGGTCAGGCCTCTTGGGAGGAGGCTCAGACTCCTCACCTTTGACATAGAGGTGGA[T>C]GGCGGCGCTGCCTCCCAGGGGGTCTCCAGGCTCAGTGCAGCGATAGGTCCCCGTGTTTTG-3'
Protein context (NP_001275634.1, residues 87-107): PGDPLGGSAA[Ile97Val]HLYVKDPARP